The following is an entry in ClinVar:

NM_000487.6(ARSA):c.916A>G (p.Thr306Ala)

Gene: ARSA (arylsulfatase A; minus strand). Cytogenetic location: 22q13.33.
Variant type: single nucleotide variant.
Coding change: c.916A>G on transcript NM_000487.6 (MANE Select); coding-DNA position 916, A replaced by G.
Protein change: p.Thr306Ala; replaces threonine 306 with alanine.
Molecular consequence: missense variant.
Genome position (GRCh38, 1-based): chr22:50,626,217, T>C on the plus strand (A>G on the coding strand, the complement: ARSA is on the minus strand). VCF-style: chr22-50626217-T-C. GRCh37 (hg19) VCF-style: chr22-51064645-T-C.
Other names: c.916A>G, p.Thr306Ala (NM_001085425.3, NM_001085426.3, NM_001085427.3); c.658A>G, p.Thr220Ala (NM_001085428.3, NM_001362782.2); short protein forms T220A, T306A.
Identifiers: ClinVar variation 2795507 (VCV002795507.3), dbSNP rs2518327103, ClinGen allele CA412174667.

ClinVar aggregate classification (germline): Likely pathogenic (1 of 4 stars; one submission).

Conditions:
Metachromatic leukodystrophy (MLD). Also called: Cerebral sclerosis diffuse metachromatic form; ARSA DEFICIENCY; CEREBROSIDE SULFATASE DEFICIENCY; SULFATIDE LIPIDOSIS; METACHROMATIC LEUKOENCEPHALOPATHY; Arylsulfatase A Deficiency. Identifiers: Orphanet 512, MedGen C0023522, MONDO:0018868, OMIM 250100.

Allele frequency attached by ClinVar (database versions not stated): gnomAD exomes below 0.00001.
gnomAD v4.1: 1 of 1,613,352 alleles (0.000062%); highest among the groups gnomAD compares: Admixed American, 0.0017%; no homozygotes.

Submission:

Labcorp Genetics (formerly Invitae), Labcorp
Classification: Likely pathogenic for Metachromatic leukodystrophy. Last evaluated: 2022-11-07. Review status: criteria provided, single submitter. Criteria: Invitae Variant Classification Sherloc (09022015). Collection method: clinical testing. Allele origin: germline.
Comment: This variant disrupts the p.Thr306 amino acid residue in ARSA. Other variant(s) that disrupt this residue have been determined to be pathogenic (PMID: 18786133, 30057904; Invitae). This suggests that this residue is clinically significant, and that variants that disrupt this residue are likely to be disease-causing. In summary, the currently available evidence indicates that the variant is pathogenic, but additional data are needed to prove that conclusively. Therefore, this variant has been classified as Likely Pathogenic. This sequence change replaces threonine, which is neutral and polar, with alanine, which is neutral and non-polar, at codon 306 of the ARSA protein (p.Thr306Ala). This variant is not present in population databases (gnomAD no frequency). This variant has not been reported in the literature in individuals affected with ARSA-related conditions. Advanced modeling of protein sequence and biophysical properties (such as structural, functional, and spatial information, amino acid conservation, physicochemical variation, residue mobility, and thermodynamic stability) performed at Invitae indicates that this missense variant is expected to disrupt ARSA protein function.

Literature cited by the submitters: PubMed 18786133; PubMed 30057904.